The following is an entry in ClinVar:

ClinVar aggregate classification (germline): Uncertain significance (1 of 4 stars; one submission).

gnomAD v4.1: 23 of 1,614,138 alleles (0.0014%); highest among the groups gnomAD compares: Non-Finnish European, 0.0019%; no homozygotes.

Submission:

Women's Health and Genetics/Laboratory Corporation of America, LabCorp
Classification: Uncertain significance. Last evaluated: 2024-11-11. Review status: criteria provided, single submitter. Criteria: LabCorp Variant Classification Summary - May 2015. Collection method: clinical testing. Allele origin: germline.
Comment: Variant summary: EP300 c.2986G>T (p.Asp996Tyr) results in a non-conservative amino acid change in the encoded protein sequence. Four of five in-silico tools predict a damaging effect of the variant on protein function. The variant allele was found at a frequency of 1.4e-05 in 1614138 control chromosomes. This frequency is not significantly higher than estimated for a pathogenic variant in EP300 causing Rubinstein-Taybi Syndrome 2, although provides evidence the variant may be benign. To our knowledge, no occurrence of c.2986G>T in individuals affected with Rubinstein-Taybi Syndrome 2 and no experimental evidence demonstrating its impact on protein function have been reported. No submitters have cited clinical-significance assessments for this variant to ClinVar. Based on the evidence outlined above, the variant was classified as VUS-possibly benign.

NM_001429.4(EP300):c.2986G>T (p.Asp996Tyr)

Genes: EP300 (E1A binding protein p300; plus strand), LOC126863158 (BRD4-independent group 4 enhancer GRCh37_chr22:41547383-41548582; plus strand). Cytogenetic location: 22q13.2.
Variant type: single nucleotide variant.
Coding change: c.2986G>T on transcript NM_001429.4 (MANE Select); coding-DNA position 2986, G replaced by T.
Protein change: p.Asp996Tyr; replaces aspartic acid 996 with tyrosine.
Molecular consequence: missense variant.
Genome position (GRCh38, 1-based): chr22:41,152,001, G>T. VCF-style: chr22-41152001-G-T. GRCh37 (hg19) VCF-style: chr22-41548005-G-T.
Other names: c.2908G>T, p.Asp970Tyr (NM_001362843.2); short protein forms D970Y, D996Y.
Identifiers: ClinVar variation 3629722 (VCV003629722.1).